The following is an entry in ClinVar:

NM_000487.6(ARSA):c.765G>C (p.Glu255Asp)

Gene: ARSA (arylsulfatase A; minus strand). Cytogenetic location: 22q13.33.
Variant type: single nucleotide variant.
Coding change: c.765G>C on transcript NM_000487.6 (MANE Select); coding-DNA position 765, G replaced by C.
Protein change: p.Glu255Asp; replaces glutamic acid 255 with aspartic acid.
Molecular consequence: missense variant.
Genome position (GRCh38, 1-based): chr22:50,626,680, C>G on the plus strand (G>C on the coding strand, the complement: ARSA is on the minus strand). VCF-style: chr22-50626680-C-G. GRCh37 (hg19) VCF-style: chr22-51065108-C-G.
Other names: c.765G>C, p.Glu255Asp (NM_001085425.3, NM_001085426.3, NM_001085427.3); c.507G>C, p.Glu169Asp (NM_001085428.3, NM_001362782.2); c.765G>C (NM_000487.5); short protein forms E169D, E255D.
Identifiers: ClinVar variation 2139601 (VCV002139601.7), dbSNP rs372250391, ClinGen allele CA325531461.

ClinVar aggregate classification (germline): Conflicting classifications of pathogenicity. Review status: criteria provided, conflicting classifications (1 of 4 stars). 3 submissions from 3 submitters: Likely pathogenic (2); Uncertain significance (1). Last evaluated 2026-01-26.

Conditions:
Metachromatic leukodystrophy (MLD). Also called: Cerebral sclerosis diffuse metachromatic form; Arylsulfatase A Deficiency; ARSA DEFICIENCY; CEREBROSIDE SULFATASE DEFICIENCY; METACHROMATIC LEUKOENCEPHALOPATHY; SULFATIDE LIPIDOSIS. Identifiers: Orphanet 512, MedGen C0023522, MONDO:0018868, OMIM 250100.

Allele frequency attached by ClinVar (database versions not stated): TOPMed below 0.00001; gnomAD 0.00001; ESP Exome Variant Server 0.00008.
gnomAD v4.1: 7 of 1,614,064 alleles (0.00043%); highest among the groups gnomAD compares: African/African-American, 0.0027%; no homozygotes.

Submissions (3):

GeneDx
Classification: Likely pathogenic. Last evaluated: 2026-01-26. Review status: criteria provided, single submitter. Criteria: GeneDx Variant Classification Process June 2021. Collection method: clinical testing. Allele origin: germline.
Comment: Reported in association with Parkinson's disease; however, detailed clinical information was not provided (PMID: 37381728); Not observed at significant frequency in large population cohorts (gnomAD); In silico analysis supports that this missense variant has a deleterious effect on protein structure/function; This variant is associated with the following publications: (PMID: 37381728, 11941485, 18786133)

Blueprint Genetics
Classification: Uncertain significance. Last evaluated: 2023-12-28. Review status: criteria provided, single submitter. Criteria: ACMG Guidelines, 2015. Collection method: clinical testing. Allele origin: germline.

Labcorp Genetics (formerly Invitae), Labcorp
Classification: Likely pathogenic for Metachromatic leukodystrophy. Last evaluated: 2023-11-27. Review status: criteria provided, single submitter. Criteria: Invitae Variant Classification Sherloc (09022015). Collection method: clinical testing. Allele origin: germline.
Comment: This sequence change replaces glutamic acid, which is acidic and polar, with aspartic acid, which is acidic and polar, at codon 255 of the ARSA protein (p.Glu255Asp). This variant is not present in population databases (gnomAD no frequency). This variant has not been reported in the literature in individuals affected with ARSA-related conditions. ClinVar contains an entry for this variant (Variation ID: 2139601). Advanced modeling of protein sequence and biophysical properties (such as structural, functional, and spatial information, amino acid conservation, physicochemical variation, residue mobility, and thermodynamic stability) performed at Invitae indicates that this missense variant is expected to disrupt ARSA protein function with a positive predictive value of 95%. This variant disrupts the p.Glu255 amino acid residue in ARSA. Other variant(s) that disrupt this residue have been determined to be pathogenic (PMID: 11941485, 18786133). This suggests that this residue is clinically significant, and that variants that disrupt this residue are likely to be disease-causing. In summary, the currently available evidence indicates that the variant is pathogenic, but additional data are needed to prove that conclusively. Therefore, this variant has been classified as Likely Pathogenic.

Literature cited by the submitters: PubMed 11941485 (cited by Labcorp Genetics (formerly Invitae), Labcorp); PubMed 18786133 (cited by Labcorp Genetics (formerly Invitae), Labcorp).